The following is an entry in ClinVar:

ClinVar aggregate classification (germline): Pathogenic (1 of 4 stars; one submission).

Conditions:
Autosomal recessive spastic paraplegia type 78. Identifiers: Orphanet 513436, MedGen C5567893, MONDO:0014975, OMIM 617225.
Kufor-Rakeb syndrome (KRS). Also called: PARKINSON DISEASE 9, AUTOSOMAL RECESSIVE, JUVENILE-ONSET. Identifiers: Orphanet 306674, Orphanet 314632, MedGen C1847640, MONDO:0011706, OMIM 606693.

Submission:

Labcorp Genetics (formerly Invitae), Labcorp
Classification: Pathogenic for Kufor-Rakeb syndrome; Autosomal recessive spastic paraplegia type 78. Last evaluated: 2024-09-01. Review status: criteria provided, single submitter. Criteria: Invitae Variant Classification Sherloc (09022015). Collection method: clinical testing. Allele origin: germline.
Comment: This sequence change creates a premature translational stop signal (p.Asp127Metfs*29) in the ATP13A2 gene. It is expected to result in an absent or disrupted protein product. Loss-of-function variants in ATP13A2 are known to be pathogenic (PMID: 16964263, 21696388). This variant is present in population databases (no rsID available, gnomAD 0.003%). This variant has not been reported in the literature in individuals affected with ATP13A2-related conditions. For these reasons, this variant has been classified as Pathogenic.

Literature cited by the submitters: PubMed 16964263; PubMed 21696388.

NM_022089.4(ATP13A2):c.379del (p.Asp127fs)

Gene: ATP13A2 (ATPase cation transporting 13A2; minus strand). Cytogenetic location: 1p36.13.
Variant type: Deletion.
Coding change: c.379del on transcript NM_022089.4 (MANE Select); coding-DNA position 379, one base deleted (G; older notation c.379delG).
Protein change: p.Asp127fs; shifts the reading frame from aspartic acid 127.
Molecular consequence: frameshift variant.
Genome position (GRCh38, 1-based): chr1:17,004,790, C deleted on the plus strand (G on the coding strand, the reverse complement: ATP13A2 is on the minus strand); the first of 2 consecutive C bases (chr1:17,004,790-17,004,791); deleting either gives the same sequence. VCF-style (leftmost placement, unchanged base first): chr1-17004789-TC-T. GRCh37 (hg19) VCF-style: chr1-17331284-TC-T.
Other names: c.379del, p.Asp127fs (NM_001141973.3, NM_001141974.3); short protein forms D127fs.
Identifiers: ClinVar variation 3748836 (VCV003748836.2).